The following is an entry in ClinVar:

NM_144991.3(TSPEAR):c.1690G>A (p.Val564Ile)

Genes: TSPEAR-AS1 (TSPEAR antisense RNA 1; plus strand), TSPEAR (thrombospondin type laminin G domain and EAR repeats; minus strand), LOC126653398 (CDK7 strongly-dependent group 2 enhancer GRCh37_chr21:45928270-45929469; plus strand). Cytogenetic location: 21q22.3.
Variant type: single nucleotide variant.
Coding change: c.1690G>A on transcript NM_144991.3 (MANE Select); coding-DNA position 1690, G replaced by A.
Protein change: p.Val564Ile; replaces valine 564 with isoleucine.
Molecular consequence: missense variant. On other transcripts: non-coding transcript variant (1).
Genome position (GRCh38, 1-based): chr21:44,509,263, C>T on the plus strand (G>A on the coding strand, the complement: TSPEAR is on the minus strand). VCF-style: chr21-44509263-C-T. GRCh37 (hg19) VCF-style: chr21-45929146-C-T.
Other names: c.1486G>A, p.Val496Ile (NM_001272037.2); short protein forms V564I, V496I.
Identifiers: ClinVar variation 504868 (VCV000504868.14), dbSNP rs150792705, ClinGen allele CA10056418.

ClinVar aggregate classification (germline): Uncertain significance. Review status: criteria provided, multiple submitters, no conflicts (2 of 4 stars). 4 submissions from 4 submitters: Uncertain significance (4). Last evaluated 2026-09-09.

Conditions:
Inborn genetic diseases. Identifiers: MedGen C0950123, MeSH D030342.

Allele frequency attached by ClinVar (database versions not stated): gnomAD exomes 0.00005 and 0.00008; ExAC 0.00011; gnomAD 0.00011; ESP Exome Variant Server 0.00015; TOPMed 0.00016; 1000 Genomes Project 0.00040; 1000 Genomes Project 30x 0.00062.
gnomAD v4.1: 86 of 1,614,020 alleles (0.0053%); highest among the groups gnomAD compares: African/African-American, 0.051%; no homozygotes.

Submissions (4):

GeneDx
Classification: Uncertain significance. Last evaluated: 2026-09-09. Review status: criteria provided, single submitter. Criteria: GeneDx Variant Classification Process June 2021. Collection method: clinical testing. Allele origin: germline.
Comment: In silico analysis suggests that this missense variant does not alter protein structure/function; Has not been previously published as pathogenic or benign to our knowledge

Labcorp Genetics (formerly Invitae), Labcorp
Classification: Uncertain significance. Last evaluated: 2025-10-01. Review status: criteria provided, single submitter. Criteria: Invitae Variant Classification Sherloc (09022015). Collection method: clinical testing. Allele origin: germline.
Comment: This sequence change replaces valine, which is neutral and non-polar, with isoleucine, which is neutral and non-polar, at codon 564 of the TSPEAR protein (p.Val564Ile). This variant is present in population databases (rs150792705, gnomAD 0.05%). This variant has not been reported in the literature in individuals affected with TSPEAR-related conditions. ClinVar contains an entry for this variant (Variation ID: 504868). Invitae Evidence Modeling of protein sequence and biophysical properties (such as structural, functional, and spatial information, amino acid conservation, physicochemical variation, residue mobility, and thermodynamic stability) indicates that this missense variant is not expected to disrupt TSPEAR protein function with a negative predictive value of 80%. In summary, the available evidence is currently insufficient to determine the role of this variant in disease. Therefore, it has been classified as a Variant of Uncertain Significance.

Ambry Genetics
Classification: Uncertain significance for Inborn genetic diseases. Last evaluated: 2025-04-20. Review status: criteria provided, single submitter. Criteria: Ambry Variant Classification Scheme 2023. Collection method: clinical testing. Allele origin: germline.

Laboratory for Molecular Medicine, Mass General Brigham Personalized Medicine
Classification: Uncertain significance. Last evaluated: 2016-08-24. Review status: criteria provided, single submitter. Criteria: LMM Criteria. Collection method: clinical testing. Allele origin: germline. Observed: 1 variant allele.
Comment: Variant classified as Uncertain Significance - Favor Benign. The p.Val564Ile var iant in TSPEAR has not been previously reported in individuals with hearing loss , but has been identified in several populations by the Exome Aggregation Consor tium including 4/10346 African chromosomes (ExAC ; dbSNP rs150792705). However, its frequency is not high enough to rule out a pa thogenic role. Computational prediction tools and conservation analysis suggest that the p.Val564Ile variant may not impact the protein, though this information is not predictive enough to rule out pathogenicity. In summary, while the clini cal significance of the p.Val564Ile variant is uncertain, the computational and conservation data suggest it is more likely benign.